The following is an entry in ClinVar:

ClinVar aggregate classification (germline): Uncertain significance. Review status: criteria provided, multiple submitters, no conflicts (2 of 4 stars). 2 submissions from 2 submitters: Uncertain significance (2). Last evaluated 2025-05-04.

Allele frequency attached by ClinVar (database versions not stated): ESP Exome Variant Server 0.00015.
gnomAD v4.1: 23 of 1,612,424 alleles (0.0014%); highest among the groups gnomAD compares: Non-Finnish European, 0.0019%; 1 homozygote.

Submissions (2):

Labcorp Genetics (formerly Invitae), Labcorp
Classification: Uncertain significance. Last evaluated: 2025-05-04. Review status: criteria provided, single submitter. Criteria: Invitae Variant Classification Sherloc (09022015). Collection method: clinical testing. Allele origin: germline.
Comment: This sequence change replaces tryptophan, which is neutral and slightly polar, with cysteine, which is neutral and slightly polar, at codon 101 of the GEN1 protein (p.Trp101Cys). This variant is present in population databases (rs144005627, gnomAD 0.003%). This variant has not been reported in the literature in individuals affected with GEN1-related conditions. ClinVar contains an entry for this variant (Variation ID: 1393914). An algorithm developed to predict the effect of missense changes on protein structure and function outputs the following: PolyPhen-2: "Benign". The cysteine amino acid residue is found in multiple mammalian species, which suggests that this missense change does not adversely affect protein function. In summary, the available evidence is currently insufficient to determine the role of this variant in disease. Therefore, it has been classified as a Variant of Uncertain Significance.

Ambry Genetics
Classification: Uncertain significance. Last evaluated: 2025-03-28. Review status: criteria provided, single submitter. Criteria: Ambry Variant Classification Scheme 2023. Collection method: clinical testing. Allele origin: germline.

NM_001130009.3(GEN1):c.303G>T (p.Trp101Cys)

Gene: GEN1 (GEN1 structure-specific endonuclease; plus strand). Cytogenetic location: 2p24.2.
Variant type: single nucleotide variant.
Coding change: c.303G>T on transcript NM_001130009.3 (MANE Select); coding-DNA position 303, G replaced by T.
Protein change: p.Trp101Cys; replaces tryptophan 101 with cysteine.
Molecular consequence: missense variant.
Genome position (GRCh38, 1-based): chr2:17,761,537, G>T. VCF-style: chr2-17761537-G-T. GRCh37 (hg19) VCF-style: chr2-17942804-G-T.
Other names: c.303G>T, p.Trp101Cys (NM_182625.5); c.303G>T (NM_001130009.1); short protein forms W101C.
Identifiers: ClinVar variation 1393914 (VCV001393914.8), dbSNP rs144005627, ClinGen allele CA1540374.